The following is an entry in ClinVar:

ClinVar aggregate classification (germline): Uncertain significance (1 of 4 stars; one submission).

Conditions:
Familial adenomatous polyposis 1 (FAP1). Also called: FAMILIAL ADENOMATOUS POLYPOSIS 1, ATTENUATED; POLYPOSIS, ADENOMATOUS INTESTINAL. Identifiers: MedGen C2713442, MONDO:0021056, OMIM 175100. Disease mechanism: loss of function.

Submission:

Labcorp Genetics (formerly Invitae), Labcorp
Classification: Uncertain significance for Familial adenomatous polyposis 1. Last evaluated: 2024-06-30. Review status: criteria provided, single submitter. Criteria: Invitae Variant Classification Sherloc (09022015). Collection method: clinical testing. Allele origin: germline.
Comment: This sequence change replaces cysteine, which is neutral and slightly polar, with serine, which is neutral and polar, at codon 681 of the APC protein (p.Cys681Ser). This variant is not present in population databases (gnomAD no frequency). This variant has not been reported in the literature in individuals affected with APC-related conditions. Advanced modeling of protein sequence and biophysical properties (such as structural, functional, and spatial information, amino acid conservation, physicochemical variation, residue mobility, and thermodynamic stability) performed at Invitae indicates that this missense variant is not expected to disrupt APC protein function with a negative predictive value of 95%. In summary, the available evidence is currently insufficient to determine the role of this variant in disease. Therefore, it has been classified as a Variant of Uncertain Significance.

NM_000038.6(APC):c.2042G>C (p.Cys681Ser)

Gene: APC (APC regulator of Wnt signaling pathway; plus strand). Cytogenetic location: 5q22.2.
Variant type: single nucleotide variant.
Coding change: c.2042G>C on transcript NM_000038.6 (MANE Select); coding-DNA position 2042, G replaced by C.
Protein change: p.Cys681Ser; replaces cysteine 681 with serine.
Molecular consequence: missense variant. On other transcripts: non-coding transcript variant (2).
Genome position (GRCh38, 1-based): chr5:112,837,636, G>C. VCF-style: chr5-112837636-G-C. GRCh37 (hg19) VCF-style: chr5-112173333-G-C.
Other names: c.2042G>C, p.Cys681Ser (NM_001127510.3, NM_001354895.2, NM_001407450.1); c.1988G>C, p.Cys663Ser (NM_001127511.3); c.2096G>C, p.Cys699Ser (NM_001354896.2, NM_001407447.1, NM_001407448.1 and 1 more transcripts); c.2072G>C, p.Cys691Ser (NM_001354897.2); c.1967G>C, p.Cys656Ser (NM_001354898.2); c.1958G>C, p.Cys653Ser (NM_001354899.2); c.1919G>C, p.Cys640Ser (NM_001354900.2); c.1865G>C, p.Cys622Ser (NM_001354901.2, NM_001407453.1); and 11 more; short protein forms C398S, C640S, C674S, C691S, C297S, C521S, C590S, C653S.
Identifiers: ClinVar variation 3635416 (VCV003635416.2).